The following is an entry in ClinVar:

NM_177977.3(HAP1):c.1705_1718del (p.His569fs)

Gene: HAP1 (huntingtin associated protein 1; minus strand). Cytogenetic location: 17q21.2.
Variant type: Deletion.
Coding change: c.1705_1718del on transcript NM_177977.3 (MANE Select); coding-DNA positions 1705 to 1718, 14 bases deleted (CACCTGGACATGAA).
Protein change: p.His569fs; shifts the reading frame from histidine 569.
Molecular consequence: frameshift variant. On other transcripts: intron variant (1).
Genome position (GRCh38, 1-based): chr17:41,724,843-41,724,856, TTCATGTCCAGGTG deleted on the plus strand (CACCTGGACATGAA on the coding strand, the reverse complement: HAP1 is on the minus strand); deleting any 14 consecutive bases within chr17:41,724,843-41,724,857 gives the same sequence; the c. name uses the placement nearest the transcript's 3' end. VCF-style (leftmost placement, unchanged base first): chr17-41724842-ATTCATGTCCAGGTG-A. GRCh37 (hg19) VCF-style: chr17-39881094-ATTCATGTCCAGGTG-A.
Other names: c.1654_1667del, p.His552fs (NM_001079870.1); c.1630_1643del, p.His544fs (NM_001079871.1, NM_001367461.1); c.1801_1814del, p.His601fs (NM_001367459.1); c.1765_1778del, p.His589fs (NM_001367460.1); c.1331+1003_1331+1016del (NM_001367462.1); short protein forms H544fs, H552fs, H569fs, H589fs, H601fs.
Identifiers: ClinVar variation 3347596 (VCV003347596.1).

ClinVar aggregate classification (germline): Uncertain significance (0 of 4 stars; one submission).

Conditions:
HAP1-related disorder. Also called: HAP1-related condition.

Submission:

PreventionGenetics, part of Exact Sciences
Classification: Uncertain significance for HAP1-related condition. Last evaluated: 2024-09-19. Review status: no assertion criteria provided. Collection method: clinical testing. Allele origin: germline.
Comment: The HAP1 c.1705_1718del14 variant is predicted to result in a frameshift and premature protein termination (p.His569Leufs*27). This variant resides in the final exon of this gene, and it is unclear if the resulting mRNA would undergo nonsense-mediated decay. To our knowledge, this variant has not been reported in the literature or in a large population database, indicating this variant is rare. At this time, the clinical significance of this variant is uncertain due to the absence of conclusive functional and genetic evidence.